The following is an entry in ClinVar:

ClinVar aggregate classification (germline): Uncertain significance. Review status: criteria provided, multiple submitters, no conflicts (2 of 4 stars). 2 submissions from 2 submitters: Uncertain significance (2). Last evaluated 2023-10-01.

Conditions:
Retinal dystrophy. Also called: Inherited retinal dystrophy. Identifiers: Orphanet 71862, MedGen C0854723, MeSH D058499, MONDO:0019118, HP:0000556.

gnomAD v4.1: 3 of 1,614,134 alleles (0.00019%); highest among the groups gnomAD compares: Non-Finnish European, 0.00025%; no homozygotes.

Submissions (2):

Dept Of Ophthalmology, Nagoya University
Classification: Uncertain significance for Retinal dystrophy. Last evaluated: 2023-10-01. Review status: criteria provided, single submitter. Criteria: Submitter's publication. Collection method: research. Allele origin: germline. Affected: yes.

Labcorp Genetics (formerly Invitae), Labcorp
Classification: Uncertain significance. Last evaluated: 2022-11-13. Review status: criteria provided, single submitter. Criteria: Invitae Variant Classification Sherloc (09022015). Collection method: clinical testing. Allele origin: germline.
Comment: In summary, the available evidence is currently insufficient to determine the role of this variant in disease. Therefore, it has been classified as a Variant of Uncertain Significance. This sequence change replaces valine, which is neutral and non-polar, with phenylalanine, which is neutral and non-polar, at codon 242 of the NEUROD1 protein (p.Val242Phe). This variant is not present in population databases (gnomAD no frequency). This variant has not been reported in the literature in individuals affected with NEUROD1-related conditions. Algorithms developed to predict the effect of missense changes on protein structure and function are either unavailable or do not agree on the potential impact of this missense change (SIFT: "Tolerated"; PolyPhen-2: "Possibly Damaging"; Align-GVGD: "Class C0").

NM_002500.5(NEUROD1):c.724G>T (p.Val242Phe)

Gene: NEUROD1 (neuronal differentiation 1; minus strand). Cytogenetic location: 2q31.3.
Variant type: single nucleotide variant.
Coding change: c.724G>T on transcript NM_002500.5 (MANE Select); coding-DNA position 724, G replaced by T.
Protein change: p.Val242Phe; replaces valine 242 with phenylalanine.
Molecular consequence: missense variant.
Genome position (GRCh38, 1-based): chr2:181,678,137, C>A on the plus strand (G>T on the coding strand, the complement: NEUROD1 is on the minus strand). VCF-style: chr2-181678137-C-A. GRCh37 (hg19) VCF-style: chr2-182542864-C-A.
Other names: short protein forms V242F.
Identifiers: ClinVar variation 2812410 (VCV002812410.4), dbSNP rs786205158, ClinGen allele CA349783176.